The following is an entry in ClinVar:

NM_001089.3(ABCA3):c.470del (p.Ser157fs)

Gene: ABCA3 (ATP binding cassette subfamily A member 3; minus strand). Cytogenetic location: 16p13.3.
Variant type: Deletion.
Coding change: c.470del on transcript NM_001089.3 (MANE Select); coding-DNA position 470, one base deleted (G; older notation c.470delG).
Protein change: p.Ser157fs; shifts the reading frame from serine 157.
Molecular consequence: frameshift variant.
Genome position (GRCh38, 1-based): chr16:2,323,666, C deleted on the plus strand (G on the coding strand, the reverse complement: ABCA3 is on the minus strand). VCF-style (leftmost placement, unchanged base first): chr16-2323665-AC-A. GRCh37 (hg19) VCF-style: chr16-2373666-AC-A.
Other names: short protein forms S157fs.
Identifiers: ClinVar variation 3638412 (VCV003638412.2).

ClinVar aggregate classification (germline): Pathogenic (1 of 4 stars; one submission).

Submission:

Labcorp Genetics (formerly Invitae), Labcorp
Classification: Pathogenic. Last evaluated: 2024-02-02. Review status: criteria provided, single submitter. Criteria: Invitae Variant Classification Sherloc (09022015). Collection method: clinical testing. Allele origin: germline.
Comment: This sequence change creates a premature translational stop signal (p.Ser157Ilefs*17) in the ABCA3 gene. It is expected to result in an absent or disrupted protein product. Loss-of-function variants in ABCA3 are known to be pathogenic (PMID: 27516224). This variant is not present in population databases (gnomAD no frequency). This variant has not been reported in the literature in individuals affected with ABCA3-related conditions. For these reasons, this variant has been classified as Pathogenic.

Literature cited by the submitters: PubMed 27516224.